The following is an entry in ClinVar:

NM_002653.5(PITX1):c.748G>A (p.Gly250Ser)

Gene: PITX1 (paired like homeodomain 1; minus strand). Cytogenetic location: 5q31.1.
Variant type: single nucleotide variant.
Coding change: c.748G>A on transcript NM_002653.5 (MANE Select); coding-DNA position 748, G replaced by A.
Protein change: p.Gly250Ser; replaces glycine 250 with serine.
Molecular consequence: missense variant.
Genome position (GRCh38, 1-based): chr5:135,028,976, C>T on the plus strand (G>A on the coding strand, the complement: PITX1 is on the minus strand). VCF-style: chr5-135028976-C-T. GRCh37 (hg19) VCF-style: chr5-134364666-C-T.
Other names: short protein forms G250S.
Identifiers: ClinVar variation 3672978 (VCV003672978.2).

ClinVar aggregate classification (germline): Uncertain significance (1 of 4 stars; one submission).

gnomAD v4.1: 9 of 1,614,102 alleles (0.00056%); highest among the groups gnomAD compares: Admixed American, 0.013%; no homozygotes.

Submission:

Labcorp Genetics (formerly Invitae), Labcorp
Classification: Uncertain significance. Last evaluated: 2024-07-23. Review status: criteria provided, single submitter. Criteria: Invitae Variant Classification Sherloc (09022015). Collection method: clinical testing. Allele origin: germline.
Comment: This sequence change replaces glycine, which is neutral and non-polar, with serine, which is neutral and polar, at codon 250 of the PITX1 protein (p.Gly250Ser). This variant is present in population databases (rs748803285, gnomAD 0.01%). This variant has not been reported in the literature in individuals affected with PITX1-related conditions. Advanced modeling of protein sequence and biophysical properties (such as structural, functional, and spatial information, amino acid conservation, physicochemical variation, residue mobility, and thermodynamic stability) performed at Invitae indicates that this missense variant is not expected to disrupt PITX1 protein function with a negative predictive value of 80%. In summary, the available evidence is currently insufficient to determine the role of this variant in disease. Therefore, it has been classified as a Variant of Uncertain Significance.